The following is an entry in ClinVar:

ClinVar aggregate classification (germline): Uncertain significance (1 of 4 stars; one submission).

Submission:

Labcorp Genetics (formerly Invitae), Labcorp
Classification: Uncertain significance. Last evaluated: 2025-02-16. Review status: criteria provided, single submitter. Criteria: Invitae Variant Classification Sherloc (09022015). Collection method: clinical testing. Allele origin: germline.
Comment: This sequence change replaces arginine, which is basic and polar, with valine, which is neutral and non-polar, at codon 168 of the KAT6A protein (p.Arg168Val). Information on the frequency of this variant in the gnomAD database is not available, as this variant may be reported differently in the database. This variant has not been reported in the literature in individuals affected with KAT6A-related conditions. An algorithm developed to predict the effect of missense changes on protein structure and function (PolyPhen-2) suggests that this variant is likely to be disruptive. In summary, the available evidence is currently insufficient to determine the role of this variant in disease. Therefore, it has been classified as a Variant of Uncertain Significance.

NM_006766.5(KAT6A):c.502_503delinsGT (p.Arg168Val)

Gene: KAT6A (lysine acetyltransferase 6A; minus strand). Cytogenetic location: 8p11.21.
Variant type: Indel.
Coding change: c.502_503delinsGT on transcript NM_006766.5 (MANE Select); coding-DNA positions 502 to 503, CG replaced by GT.
Protein change: p.Arg168Val; replaces arginine 168 with valine.
Molecular consequence: missense variant.
Genome position (GRCh38, 1-based): chr8:42,048,475-42,048,476, CG replaced by AC on the plus strand (CG replaced by GT on the coding strand, the reverse complement: KAT6A is on the minus strand). VCF-style: chr8-42048475-CG-AC. GRCh37 (hg19) VCF-style: chr8-41905993-CG-AC.
Other names: c.502_503delinsGT, p.Arg168Val (NM_001305878.2); short protein forms R168V.
Identifiers: ClinVar variation 4713177 (VCV004713177.1).
Genomic context (GRCh38, chr8:42,048,475, plus strand): 5'-AAACAGGAAAGAGACTCACAACTCTCTTTCCCATCCACGTTGGTTGCTTTAGTGTTGAGC[CG>AC]ATAAAGAGGTCCATCTTTAAGGAGTCTGCCGTGGCCAATGGCACGTTTGATAGCCAATCG-3'
Protein context (NP_006757.2, residues 158-178): GRLLKDGPLY[Arg168Val]LNTKATNVDG